The following is an entry in ClinVar:

ClinVar aggregate classification (germline): Likely benign (1 of 4 stars; one submission).

Conditions:
THBS1-related disorder. Also called: THBS1-related condition.

gnomAD v4.1: 2,510 of 1,516,778 alleles (0.17%); highest among the groups gnomAD compares: Non-Finnish European, 0.2%; 6 homozygotes.

Submission:

PreventionGenetics, part of Exact Sciences
Classification: Likely benign for THBS1-related condition. Last evaluated: 2026-06-01. Review status: criteria provided, single submitter. Criteria: ACMG Guidelines, 2015. Collection method: clinical testing. Allele origin: germline.
Comment: This variant is classified as likely benign based on ACMG/AMP sequence variant interpretation guidelines (Richards et al. 2015 PMID: 25741868, with internal and published modifications).

NM_003246.4(THBS1):c.1472-53G>A

Gene: THBS1 (thrombospondin 1; plus strand). Cytogenetic location: 15q14.
Variant type: single nucleotide variant.
Coding change: c.1472-53G>A on transcript NM_003246.4 (MANE Select); 53 bases into the intron before coding-DNA position 1472, G replaced by A.
Molecular consequence: intron variant.
Genome position (GRCh38, 1-based): chr15:39,588,473, G>A. VCF-style: chr15-39588473-G-A. GRCh37 (hg19) VCF-style: chr15-39880674-G-A.
Identifiers: ClinVar variation 4999028 (VCV004999028.1).